The following is an entry in ClinVar:

ClinVar aggregate classification (germline): Benign. Review status: criteria provided, multiple submitters, no conflicts (2 of 4 stars). 8 submissions from 6 submitters: Benign (8). Last evaluated 2026-05-08.

Conditions:
Spondyloepimetaphyseal dysplasia, aggrecan type. Also called: SEMD, AGGRECAN TYPE. Identifiers: Orphanet 171866, MedGen C2748544, MONDO:0013014, OMIM 612813.
Osteochondritis dissecans. Identifiers: Orphanet 251262, Orphanet 2764, MedGen C0029421, MONDO:0017178, HP:0010886.
Spondyloepiphyseal dysplasia, Kimberley type. Identifiers: Orphanet 93283, MedGen C1842149, MONDO:0012019, OMIM 608361.

Allele frequency attached by ClinVar (database versions not stated): 1000 Genomes Project 30x 0.42099; 1000 Genomes Project 0.42412; TOPMed 0.50484; ExAC 0.53481; ESP Exome Variant Server 0.56895.
gnomAD v4.1: 963,538 of 1,612,950 alleles (60%); highest among the groups gnomAD compares: Non-Finnish European, 65%; 297,361 homozygotes.

Submissions (8):

Women's Health and Genetics/Laboratory Corporation of America, LabCorp
Classification: Benign. Last evaluated: 2026-05-08. Review status: criteria provided, single submitter. Criteria: LabCorp Variant Classification Summary - May 2015. Collection method: clinical testing. Allele origin: germline.

Blueprint Genetics
Classification: Benign. Last evaluated: 2024-11-27. Review status: criteria provided, single submitter. Criteria: ACMG Guidelines, 2015. Collection method: clinical testing. Allele origin: germline.

Genome-Nilou Lab
Classification: Benign for Spondyloepiphyseal dysplasia, Kimberley type. Last evaluated: 2021-07-14. Review status: criteria provided, single submitter. Criteria: ACMG Guidelines, 2015. Collection method: clinical testing. Allele origin: germline. Affected: no.

Genome-Nilou Lab
Classification: Benign for Short stature and advanced bone age, with or without early-onset osteoarthritis and/or osteochondritis dissecans. Last evaluated: 2021-07-14. Review status: criteria provided, single submitter. Criteria: ACMG Guidelines, 2015. Collection method: clinical testing. Allele origin: germline. Affected: no.

Genome-Nilou Lab
Classification: Benign for Spondyloepimetaphyseal dysplasia, aggrecan type. Last evaluated: 2021-07-14. Review status: criteria provided, single submitter. Criteria: ACMG Guidelines, 2015. Collection method: clinical testing. Allele origin: germline. Affected: no.

GeneDx
Classification: Benign. Last evaluated: 2018-07-05. Review status: criteria provided, single submitter. Criteria: GeneDx Variant Classification Process June 2021. Collection method: clinical testing. Allele origin: germline. Affected: yes.
Comment: This variant is associated with the following publications: (PMID: 17317784)

Eurofins Ntd Llc (ga)
Classification: Benign. Last evaluated: 2015-11-09. Review status: criteria provided, single submitter. Criteria: EGL Classification Definitions 2015. Collection method: clinical testing. Allele origin: germline.

Breakthrough Genomics
Classification: Benign. Review status: criteria provided, single submitter. Criteria: ACMG Guidelines, 2015. Collection method: not provided. Allele origin: germline. Inheritance: Autosomal recessive inheritance. Affected: yes.

NM_001369268.1(ACAN):c.4523A>C (p.Glu1508Ala)

Gene: ACAN (aggrecan; plus strand). Cytogenetic location: 15q26.1.
Variant type: single nucleotide variant.
Coding change: c.4523A>C on transcript NM_001369268.1 (MANE Select); coding-DNA position 4523, A replaced by C.
Protein change: p.Glu1508Ala; replaces glutamic acid 1508 with alanine.
Molecular consequence: missense variant.
Genome position (GRCh38, 1-based): chr15:88,857,108, A>C. VCF-style: chr15-88857108-A-C. GRCh37 (hg19) VCF-style: chr15-89400339-A-C.
Other names: c.4523A>C, p.Glu1508Ala (NM_001135.4, NM_013227.4); short protein forms E1508A.
Identifiers: ClinVar variation 283836 (VCV000283836.12), dbSNP rs2882676, ClinGen allele CA7720067.